The following is an entry in ClinVar:

NM_003745.2(SOCS1):c.313G>T (p.Asp105Tyr)

Gene: SOCS1 (suppressor of cytokine signaling 1; minus strand). Cytogenetic location: 16p13.13.
Variant type: single nucleotide variant.
Coding change: c.313G>T on transcript NM_003745.2 (MANE Select); coding-DNA position 313, G replaced by T.
Protein change: p.Asp105Tyr; replaces aspartic acid 105 with tyrosine.
Molecular consequence: missense variant.
Genome position (GRCh38, 1-based): chr16:11,255,166, C>A on the plus strand (G>T on the coding strand, the complement: SOCS1 is on the minus strand). VCF-style: chr16-11255166-C-A. GRCh37 (hg19) VCF-style: chr16-11349023-C-A.
Other names: NP_003736.1:p.(Asp105Tyr); short protein forms D105Y.
Identifiers: ClinVar variation 3393337 (VCV003393337.1).

ClinVar aggregate classification (germline): Uncertain significance (1 of 4 stars; one submission).

Conditions:
Autoinflammatory syndrome with immunodeficiency. Also called: AUTOINFLAMMATORY SYNDROME, FAMILIAL, WITH OR WITHOUT IMMUNODEFICIENCY. Identifiers: MedGen C5543547, MONDO:0800130, OMIM 619375.

Submission:

Paediatric Laboratory, Institute for Maternal and Child Health - IRCCS Burlo Garofolo
Classification: Uncertain significance for Autoinflammatory syndrome with immunodeficiency. Last evaluated: 2024-12-02. Review status: criteria provided, single submitter. Criteria: ACMG Guidelines, 2015. Collection method: clinical testing. Allele origin: germline.
Comment: The NM_003745.2:c.313G>T variant leads to the substitution of the aspartic acid residue at position 105 with a tyrosine. This variant is located within the SH2 domain of SOCS1, a region essential for the protein's function and depleted of benign variation (MetaDome, PMID:31116477) [PM1]. Furthermore, it is absent from the gnomAD v4.1.0 population database [PM2]. Multiple in silico prediction tools and metascores indicate that the variant is likely deleterious [PP3].